The following is an entry in ClinVar:

NM_005612.5(REST):c.845A>G (p.Asn282Ser)

Gene: REST (RE1 silencing transcription factor; plus strand). Cytogenetic location: 4q12.
Variant type: single nucleotide variant.
Coding change: c.845A>G on transcript NM_005612.5 (MANE Select); coding-DNA position 845, A replaced by G.
Protein change: p.Asn282Ser; replaces asparagine 282 with serine.
Molecular consequence: missense variant.
Genome position (GRCh38, 1-based): chr4:56,911,483, A>G. VCF-style: chr4-56911483-A-G. GRCh37 (hg19) VCF-style: chr4-57777649-A-G.
Other names: c.845A>G, p.Asn282Ser (NM_001193508.2, NM_001363453.3); short protein forms N282S.
Identifiers: ClinVar variation 2343923 (VCV002343923.5), dbSNP rs201400863, ClinGen allele CA2932158.

ClinVar aggregate classification (germline): Uncertain significance. Review status: criteria provided, multiple submitters, no conflicts (2 of 4 stars). 2 submissions from 2 submitters: Uncertain significance (2). Last evaluated 2023-10-16.

Conditions:
Inborn genetic diseases. Identifiers: MedGen C0950123, MeSH D030342.

Allele frequency attached by ClinVar (database versions not stated): gnomAD 0.00001; TOPMed 0.00001; ExAC 0.00009.
gnomAD v4.1: 17 of 1,613,938 alleles (0.0011%); highest among the groups gnomAD compares: Admixed American, 0.018%; no homozygotes.

Submissions (2):

Labcorp Genetics (formerly Invitae), Labcorp
Classification: Uncertain significance. Last evaluated: 2023-10-16. Review status: criteria provided, single submitter. Criteria: Invitae Variant Classification Sherloc (09022015). Collection method: clinical testing. Allele origin: germline.
Comment: This sequence change replaces asparagine, which is neutral and polar, with serine, which is neutral and polar, at codon 282 of the REST protein (p.Asn282Ser). This variant is present in population databases (rs201400863, gnomAD 0.03%). This variant has not been reported in the literature in individuals affected with REST-related conditions. ClinVar contains an entry for this variant (Variation ID: 2343923). Algorithms developed to predict the effect of missense changes on protein structure and function output the following: SIFT: "Not Available"; PolyPhen-2: "Benign"; Align-GVGD: "Not Available". The serine amino acid residue is found in multiple mammalian species, which suggests that this missense change does not adversely affect protein function. In summary, the available evidence is currently insufficient to determine the role of this variant in disease. Therefore, it has been classified as a Variant of Uncertain Significance.

Ambry Genetics
Classification: Uncertain significance for Inborn genetic diseases. Last evaluated: 2021-09-16. Review status: criteria provided, single submitter. Criteria: Ambry Variant Classification Scheme 2023. Collection method: clinical testing. Allele origin: germline.